The following is an entry in ClinVar:

NM_000368.5(TSC1):c.2667A>G (p.Glu889=)

Gene: TSC1 (TSC complex subunit 1; minus strand). Cytogenetic location: 9q34.13.
Variant type: single nucleotide variant.
Coding change: c.2667A>G on transcript NM_000368.5 (MANE Select); coding-DNA position 2667, A replaced by G.
Protein change: p.Glu889=; no amino-acid change (glutamic acid 889 retained).
Molecular consequence: synonymous variant.
Genome position (GRCh38, 1-based): chr9:132,897,569, T>C on the plus strand (A>G on the coding strand, the complement: TSC1 is on the minus strand). VCF-style: chr9-132897569-T-C. GRCh37 (hg19) VCF-style: chr9-135772956-T-C.
Other names: c.2664A>G, p.Glu888= (NM_001162426.2); c.2514A>G, p.Glu838= (NM_001162427.2); c.2304A>G, p.Glu768= (NM_001362177.2).
Identifiers: ClinVar variation 486584 (VCV000486584.18), dbSNP rs1554813546, ClinGen allele CA467813059.

ClinVar aggregate classification (germline): Benign/Likely benign. Review status: criteria provided, multiple submitters, no conflicts (2 of 4 stars). 6 submissions from 6 submitters: Benign (2); Likely benign (4). Last evaluated 2026-03-26.

Conditions:
TSC1-related disorder. Also called: TSC1-related condition.
Hereditary cancer-predisposing syndrome. Also called: Neoplastic Syndromes, Hereditary; Hereditary Cancer Syndrome; Tumor predisposition; Hereditary neoplastic syndrome. Identifiers: Orphanet 140162, MedGen C0027672, MeSH D009386, MONDO:0015356.
Tuberous sclerosis 1 (TSC1). Identifiers: Orphanet 805, MedGen C1854465, MONDO:0008612, OMIM 191100.

Allele frequency attached by ClinVar (database versions not stated): gnomAD exomes below 0.00001; TOPMed below 0.00001.
gnomAD v4.1: 1 of 1,602,476 alleles (0.000062%); highest among the groups gnomAD compares: Non-Finnish European, 0.000085%; no homozygotes.

Submissions (6):

PreventionGenetics, part of Exact Sciences
Classification: Likely benign for TSC1-related condition. Last evaluated: 2026-03-26. Review status: criteria provided, single submitter. Criteria: ACMG Guidelines, 2015. Collection method: clinical testing. Allele origin: germline.
Comment: This variant is classified as likely benign based on ACMG/AMP sequence variant interpretation guidelines (Richards et al. 2015 PMID: 25741868, with internal and published modifications).

Myriad Genetics, Inc.
Classification: Benign for Tuberous sclerosis 1. Last evaluated: 2025-04-29. Review status: criteria provided, single submitter. Criteria: Myriad Autosomal Dominant, Autosomal Recessive and X-Linked Classification Criteria (2023). Collection method: clinical testing. Allele origin: unknown.
Comment: This variant is considered benign. This variant is a silent/synonymous amino acid change and it is not expected to impact splicing.

Labcorp Genetics (formerly Invitae), Labcorp
Classification: Likely benign for Tuberous sclerosis 1. Last evaluated: 2025-02-09. Review status: criteria provided, single submitter. Criteria: Invitae Variant Classification Sherloc (09022015). Collection method: clinical testing. Allele origin: germline.

Genome-Nilou Lab
Classification: Benign for Tuberous sclerosis 1. Last evaluated: 2021-11-07. Review status: criteria provided, single submitter. Criteria: ACMG Guidelines, 2015. Collection method: clinical testing. Allele origin: germline. Affected: no.

Sema4
Classification: Likely benign for Hereditary cancer-predisposing syndrome. Last evaluated: 2021-10-07. Review status: criteria provided, single submitter. Criteria: Sema4 Curation Guidelines. Collection method: curation. Allele origin: germline.

Ambry Genetics
Classification: Likely benign for Hereditary cancer-predisposing syndrome. Last evaluated: 2016-04-28. Review status: criteria provided, single submitter. Criteria: Ambry Variant Classification Scheme 2023. Collection method: clinical testing. Allele origin: germline.